The following is an entry in ClinVar:

ClinVar aggregate classification (germline): Uncertain significance. Review status: criteria provided, multiple submitters, no conflicts (2 of 4 stars). 2 submissions from 2 submitters: Uncertain significance (2). Last evaluated 2022-10-14.

Conditions:
Long QT syndrome (LQTS). Identifiers: MedGen C0023976, MeSH D008133, MONDO:0002442. Disease mechanism: loss of function. Inheritance: Various modes of inheritance.
Cardiovascular phenotype. Identifiers: MedGen CN230736.

Submissions (2):

Ambry Genetics
Classification: Uncertain significance for Cardiovascular phenotype. Last evaluated: 2022-10-14. Review status: criteria provided, single submitter. Criteria: Ambry Variant Classification Scheme 2023. Collection method: clinical testing. Allele origin: germline.
Comment: The p.P2399S variant (also known as c.7195C>T), located in coding exon 38 of the ANK2 gene, results from a C to T substitution at nucleotide position 7195. The proline at codon 2399 is replaced by serine, an amino acid with similar properties. This amino acid position is conserved. In addition, this alteration is predicted to be tolerated by in silico analysis. Since supporting evidence is limited at this time, the clinical significance of this alteration remains unclear.

Labcorp Genetics (formerly Invitae), Labcorp
Classification: Uncertain significance for Long QT syndrome. Last evaluated: 2022-01-18. Review status: criteria provided, single submitter. Criteria: Invitae Variant Classification Sherloc (09022015). Collection method: clinical testing. Allele origin: germline.
Comment: This sequence change replaces proline, which is neutral and non-polar, with serine, which is neutral and polar, at codon 2399 of the ANK2 protein (p.Pro2399Ser). This variant is not present in population databases (gnomAD no frequency). This variant has not been reported in the literature in individuals affected with ANK2-related conditions. Algorithms developed to predict the effect of missense changes on protein structure and function (SIFT, PolyPhen-2, Align-GVGD) all suggest that this variant is likely to be tolerated. In summary, the available evidence is currently insufficient to determine the role of this variant in disease. Therefore, it has been classified as a Variant of Uncertain Significance.

NM_001148.6(ANK2):c.7195C>T (p.Pro2399Ser)

Genes: ANK2 (ankyrin 2; plus strand), LOC126807137 (CDK7 strongly-dependent group 2 enhancer GRCh37_chr4:114276560-114277759; plus strand). Cytogenetic location: 4q26.
Variant type: single nucleotide variant.
Coding change: c.7195C>T on transcript NM_001148.6 (MANE Select); coding-DNA position 7195, C replaced by T.
Protein change: p.Pro2399Ser; replaces proline 2399 with serine.
Molecular consequence: missense variant. On other transcripts: intron variant (68).
Genome position (GRCh38, 1-based): chr4:113,355,813, C>T. VCF-style: chr4-113355813-C-T. GRCh37 (hg19) VCF-style: chr4-114276969-C-T.
Other names: c.6961C>T, p.Pro2321Ser (NM_001386142.1); c.3595C>T, p.Pro1199Ser (NM_001386166.1); c.7336C>T, p.Pro2446Ser (NM_001386174.1); c.7312C>T, p.Pro2438Ser (NM_001386175.1); c.4412-5010C>T (NM_001386186.2, NM_001386148.2); c.4214-5010C>T (NM_001354269.3); c.4292-5010C>T (NM_001386187.2); c.4253-5010C>T (NM_001386147.1); and 35 more; short protein forms P1199S, P2438S, P2399S, P2321S, P2446S.
Identifiers: ClinVar variation 1757603 (VCV001757603.7), dbSNP rs2505686722, ClinGen allele CA357929810.